The following is an entry in ClinVar:

NM_004369.4(COL6A3):c.8515T>A (p.Phe2839Ile)

Gene: COL6A3 (collagen type VI alpha 3 chain; minus strand). Cytogenetic location: 2q37.3.
Variant type: single nucleotide variant.
Coding change: c.8515T>A on transcript NM_004369.4 (MANE Select); coding-DNA position 8515, T replaced by A.
Protein change: p.Phe2839Ile; replaces phenylalanine 2839 with isoleucine.
Molecular consequence: missense variant.
Genome position (GRCh38, 1-based): chr2:237,339,067, A>T on the plus strand (T>A on the coding strand, the complement: COL6A3 is on the minus strand). VCF-style: chr2-237339067-A-T. GRCh37 (hg19) VCF-style: chr2-238247710-A-T.
Other names: c.6694T>A, p.Phe2232Ile (NM_057166.5); c.7897T>A, p.Phe2633Ile (NM_057167.4); short protein forms F2232I, F2633I, F2839I.
Identifiers: ClinVar variation 2440478 (VCV002440478.5), dbSNP rs1212048474, ClinGen allele CA351192902.

ClinVar aggregate classification (germline): Uncertain significance. Review status: criteria provided, multiple submitters, no conflicts (2 of 4 stars). 2 submissions from 2 submitters: Uncertain significance (2). Last evaluated 2025-01-19.

Conditions:
Bethlem myopathy 1A. Also called: MYOPATHY, BENIGN CONGENITAL, WITH CONTRACTURES; Bethlem myopathy 1; Bethlem Muscular Dystrophy. Identifiers: Orphanet 610, MedGen CN029274, MONDO:0024530, OMIM 158810.

Allele frequency attached by ClinVar (database versions not stated): gnomAD 0.00001; TOPMed 0.00001.
gnomAD v4.1: 7 of 1,614,038 alleles (0.00043%); highest among the groups gnomAD compares: Middle Eastern, 0.016%; no homozygotes.

Submissions (2):

Labcorp Genetics (formerly Invitae), Labcorp
Classification: Uncertain significance for Bethlem myopathy 1A. Last evaluated: 2025-01-19. Review status: criteria provided, single submitter. Criteria: Invitae Variant Classification Sherloc (09022015). Collection method: clinical testing. Allele origin: germline.
Comment: This sequence change replaces phenylalanine, which is neutral and non-polar, with isoleucine, which is neutral and non-polar, at codon 2839 of the COL6A3 protein (p.Phe2839Ile). This variant is present in population databases (no rsID available, gnomAD 0.003%). This variant has not been reported in the literature in individuals affected with COL6A3-related conditions. ClinVar contains an entry for this variant (Variation ID: 2440478). Invitae Evidence Modeling of protein sequence and biophysical properties (such as structural, functional, and spatial information, amino acid conservation, physicochemical variation, residue mobility, and thermodynamic stability) has been performed for this missense variant. However, the output from this modeling did not meet the statistical confidence thresholds required to predict the impact of this variant on COL6A3 protein function. In summary, the available evidence is currently insufficient to determine the role of this variant in disease. Therefore, it has been classified as a Variant of Uncertain Significance.

Revvity Omics, Revvity
Classification: Uncertain significance. Last evaluated: 2019-07-22. Review status: criteria provided, single submitter. Criteria: ACMG Guidelines, 2015. Collection method: clinical testing. Allele origin: germline.